The following is an entry in ClinVar:

NM_000479.5(AMH):c.1111T>C (p.Trp371Arg)

Gene: AMH (anti-Mullerian hormone; plus strand). Cytogenetic location: 19p13.3.
Variant type: single nucleotide variant.
Coding change: c.1111T>C on transcript NM_000479.5 (MANE Select); coding-DNA position 1111, T replaced by C.
Protein change: p.Trp371Arg; replaces tryptophan 371 with arginine.
Molecular consequence: missense variant.
Genome position (GRCh38, 1-based): chr19:2,251,385, T>C. VCF-style: chr19-2251385-T-C. GRCh37 (hg19) VCF-style: chr19-2251384-T-C.
Other names: short protein forms W371R.
Identifiers: ClinVar variation 2703797 (VCV002703797.3), dbSNP rs1420291137, ClinGen allele CA403242133.

ClinVar aggregate classification (germline): Uncertain significance (1 of 4 stars; one submission).

Allele frequency attached by ClinVar (database versions not stated): TOPMed below 0.00001.
gnomAD v4.1: 1 of 1,468,328 alleles (0.000068%); highest among the groups gnomAD compares: Non-Finnish European, 0.00009%; no homozygotes.

Submission:

Labcorp Genetics (formerly Invitae), Labcorp
Classification: Uncertain significance. Last evaluated: 2023-12-26. Review status: criteria provided, single submitter. Criteria: Invitae Variant Classification Sherloc (09022015). Collection method: clinical testing. Allele origin: germline.
Comment: This sequence change replaces tryptophan, which is neutral and slightly polar, with arginine, which is basic and polar, at codon 371 of the AMH protein (p.Trp371Arg). This variant is not present in population databases (gnomAD no frequency). This variant has not been reported in the literature in individuals affected with AMH-related conditions. Algorithms developed to predict the effect of missense changes on protein structure and function output the following: SIFT: "Not Available"; PolyPhen-2: "Probably Damaging"; Align-GVGD: "Not Available". The arginine amino acid residue is found in multiple mammalian species, which suggests that this missense change does not adversely affect protein function. In summary, the available evidence is currently insufficient to determine the role of this variant in disease. Therefore, it has been classified as a Variant of Uncertain Significance.